The following is an entry in ClinVar:

ClinVar aggregate classification (germline): Uncertain significance (1 of 4 stars; one submission).

gnomAD v4.1: 4 of 1,613,964 alleles (0.00025%); highest among the groups gnomAD compares: Non-Finnish European, 0.00025%; no homozygotes.

Submission:

Labcorp Genetics (formerly Invitae), Labcorp
Classification: Uncertain significance. Last evaluated: 2024-03-01. Review status: criteria provided, single submitter. Criteria: Invitae Variant Classification Sherloc (09022015). Collection method: clinical testing. Allele origin: germline.
Comment: This sequence change replaces glutamic acid, which is acidic and polar, with lysine, which is basic and polar, at codon 2339 of the ACAN protein (p.Glu2339Lys). This variant is not present in population databases (gnomAD no frequency). This variant has not been reported in the literature in individuals affected with ACAN-related conditions. Algorithms developed to predict the effect of missense changes on protein structure and function output the following: SIFT: "Not Available"; PolyPhen-2: "Possibly Damaging"; Align-GVGD: "Not Available". The lysine amino acid residue is found in multiple mammalian species, which suggests that this missense change does not adversely affect protein function. In summary, the available evidence is currently insufficient to determine the role of this variant in disease. Therefore, it has been classified as a Variant of Uncertain Significance.

NM_001369268.1(ACAN):c.7129G>A (p.Glu2377Lys)

Gene: ACAN (aggrecan; plus strand). Cytogenetic location: 15q26.1.
Variant type: single nucleotide variant.
Coding change: c.7129G>A on transcript NM_001369268.1 (MANE Select); coding-DNA position 7129, G replaced by A.
Protein change: p.Glu2377Lys; replaces glutamic acid 2377 with lysine.
Molecular consequence: missense variant.
Genome position (GRCh38, 1-based): chr15:88,871,450, G>A. VCF-style: chr15-88871450-G-A. GRCh37 (hg19) VCF-style: chr15-89414681-G-A.
Other names: c.6901G>A, p.Glu2301Lys (NM_001135.4, NM_001411096.1); c.7015G>A, p.Glu2339Lys (NM_001411097.1, NM_013227.4); short protein forms E2377K, E2339K, E2301K.
Identifiers: ClinVar variation 3717439 (VCV003717439.2).